The following is an entry in ClinVar:

ClinVar aggregate classification (germline): Pathogenic (1 of 4 stars; one submission).

Conditions:
Intellectual developmental disorder with dysmorphic facies, seizures, and distal limb anomalies (IDDFSDA). Identifiers: Orphanet 505237, MedGen C4479520, MONDO:0044319, OMIM 617452.

Submission:

Molecular Diagnostic Laboratory, Beijing Chigene Translational Medicine Research Center
Classification: Pathogenic for Intellectual developmental disorder with dysmorphic facies, seizures, and distal limb anomalies. Last evaluated: 2024-09-24. Review status: criteria provided, single submitter. Criteria: ACMG Guidelines, 2015. Collection method: clinical testing. Allele origin: maternal. Inheritance: Autosomal recessive inheritance. Affected: yes. Observed: 1 compound heterozygote.
Comment: The NM_016023.5(OTUD6B):c.83-1del variant is not recorded in any population databases and the classification was made based on the the ACMG/AMP 2015 guideline. A similar splice acceptor variant, c.83-2del, has been recorded Pathogenic in ClinVar, id RCV000488135.2 and RCV000491932.2.

NM_016023.5(OTUD6B):c.83-1del

Gene: OTUD6B (OTU deubiquitinase 6B; plus strand). Cytogenetic location: 8q21.3.
Variant type: Deletion.
Coding change: c.83-1del on transcript NM_016023.5 (MANE Select); the canonical splice acceptor site of the intron before coding-DNA position 83, one base deleted (G; older notation c.83-1delG).
Molecular consequence: splice acceptor variant.
Genome position (GRCh38, 1-based): chr8:91,071,137, G deleted. VCF-style (leftmost placement, unchanged base first): chr8-91071136-AG-A. GRCh37 (hg19) VCF-style: chr8-92083364-AG-A.
Other names: c.-361-1del (NM_001286745.3); c.83-1del (NM_001416022.1).
Identifiers: ClinVar variation 3341105 (VCV003341105.2).